The following is an entry in ClinVar:

ClinVar aggregate classification (germline): Likely benign. Review status: criteria provided, single submitter (1 of 4 stars). 2 submissions from 2 submitters: Likely benign (1). 1 of the submissions does not count toward it. Last evaluated 2023-04-05.

Conditions:
CEP290-related disorder. Also called: CEP290-related condition; CEP290-related disorders. Identifiers: MedGen CN239314.
Joubert syndrome. Also called: CEREBELLOPARENCHYMAL DISORDER IV; JOUBERT-BOLTSHAUSER SYNDROME; Familial aplasia of the vermis. Identifiers: Orphanet 475, MedGen C5979921, MONDO:0018772.
Nephronophthisis. Also called: Juvenile Nephronophthisis. Identifiers: Orphanet 655, MedGen C0687120, MONDO:0019005, HP:0000090.
Meckel-Gruber syndrome. Also called: DYSENCEPHALIA SPLANCHNOCYSTICA; GRUBER SYNDROME; Dysencephalia splachnocystica. Identifiers: Orphanet 564, MedGen C0265215, MONDO:0018921.

Allele frequency attached by ClinVar (database versions not stated): gnomAD exomes below 0.00001; TOPMed below 0.00001.
gnomAD v4.1: 1 of 1,449,262 alleles (0.000069%); highest among the groups gnomAD compares: Non-Finnish European, 0.000095%; no homozygotes.

Submissions (2):

Labcorp Genetics (formerly Invitae), Labcorp
Classification: Likely benign for Joubert syndrome; Meckel-Gruber syndrome; Nephronophthisis. Last evaluated: 2023-04-05. Review status: criteria provided, single submitter. Criteria: Invitae Variant Classification Sherloc (09022015). Collection method: clinical testing. Allele origin: germline.

PreventionGenetics, part of Exact Sciences
Classification: Likely benign for CEP290-related condition. Last evaluated: 2021-04-12. Review status: no assertion criteria provided. Collection method: clinical testing. Allele origin: germline. Not counted in ClinVar's aggregate classification.
Comment: This variant is classified as likely benign based on ACMG/AMP sequence variant interpretation guidelines (Richards et al. 2015 PMID: 25741868, with internal and published modifications).

NM_025114.4(CEP290):c.1830A>G (p.Glu610=)

Gene: CEP290 (centrosomal protein 290; minus strand). Cytogenetic location: 12q21.32.
Variant type: single nucleotide variant.
Coding change: c.1830A>G on transcript NM_025114.4 (MANE Select); coding-DNA position 1830, A replaced by G.
Protein change: p.Glu610=; no amino-acid change (glutamic acid 610 retained).
Molecular consequence: synonymous variant.
Genome position (GRCh38, 1-based): chr12:88,115,177, T>C on the plus strand (A>G on the coding strand, the complement: CEP290 is on the minus strand). VCF-style: chr12-88115177-T-C. GRCh37 (hg19) VCF-style: chr12-88508954-T-C.
Other names: c.1830A>G (NM_025114.3).
Identifiers: ClinVar variation 1607874 (VCV001607874.10), dbSNP rs2038962868, ClinGen allele CA481050830.